The following is an entry in ClinVar:

ClinVar aggregate classification (germline): Pathogenic/Likely pathogenic. Review status: criteria provided, multiple submitters, no conflicts (2 of 4 stars). 2 submissions from 2 submitters: Pathogenic (1); Likely pathogenic (1). Last evaluated 2026-02-12.

Conditions:
Short stature-optic atrophy-Pelger-Huët anomaly syndrome. Also called: Short stature, optic nerve atrophy, and Pelger-Huet anomaly; Short stature-optic atrophy-Pelger-HuC+t anomaly syndrome. Identifiers: Orphanet 391677, MedGen C3541319, MONDO:0013889, OMIM 614800.

Allele frequency attached by ClinVar (database versions not stated): gnomAD exomes 0.00002.
gnomAD v4.1: 15 of 1,605,534 alleles (0.00093%); highest among the groups gnomAD compares: Non-Finnish European, 0.0013%; no homozygotes.

Submissions (2):

Victorian Clinical Genetics Services, Murdoch Childrens Research Institute
Classification: Pathogenic for Short stature-optic atrophy-Pelger-Huët anomaly syndrome. Last evaluated: 2026-02-12. Review status: criteria provided, single submitter. Criteria: ACMG Guidelines, 2015. Collection method: clinical testing. Allele origin: germline. Affected: yes.
Comment: This variant is classified as Pathogenic. Evidence in support of pathogenic classification: Splice site variant proven to affect splicing of the transcript with uncertain effect on protein sequence. RNA-seq analysis using this proband's sample shows that this variant results in exon 5 skipping (research setting); Variant is present in gnomAD <0.01 for a recessive condition (v4: 15 heterozygote(s), 0 homozygote(s)); This variant has limited previous evidence of pathogenicity in an unrelated individual. This variant has been classified as likely pathogenic by a clinical laboratory in ClinVar; Another canonical splice variant comparable to the one identified in this case has limited previous evidence for pathogenicity. c.335+1G>A has been reported as likely pathogenic by a clinical laboratory in ClinVar, and was reported in the literature as compound heterozygous in an individual with short stature, optic atrophy and other features (PMID: 38517998); Heterozygous variant detected in trans with a second PATHOGENIC heterozygous variant (NM_015909.4(NBAS):c.3932-9A>G) in a recessive disease. Additional information: This variant is heterozygous; This gene is associated with autosomal recessive disease; Alternative nucleotide change(s) at the same canonical splice site are present in gnomAD (highest allele count: v4: 1 heterozygote(s), 0 homozygote(s)); Variant affects part of the annotated N-terminal neuroblastoma-amplified sequence domain (DECIPHER); Loss of function is a known mechanism of disease in this gene and is associated with infantile liver failure syndrome 2 (MIM#616483) and short stature, optic nerve atrophy, and Pelger-Huet anomaly (MIM#614800) (OMIM).

Labcorp Genetics (formerly Invitae), Labcorp
Classification: Likely pathogenic. Last evaluated: 2022-10-28. Review status: criteria provided, single submitter. Criteria: Invitae Variant Classification Sherloc (09022015). Collection method: clinical testing. Allele origin: germline.
Comment: In summary, the currently available evidence indicates that the variant is pathogenic, but additional data are needed to prove that conclusively. Therefore, this variant has been classified as Likely Pathogenic. Algorithms developed to predict the effect of sequence changes on RNA splicing suggest that this variant may disrupt the consensus splice site. ClinVar contains an entry for this variant (Variation ID: 1515496). This variant has not been reported in the literature in individuals affected with NBAS-related conditions. This variant is not present in population databases (gnomAD no frequency). This sequence change affects a donor splice site in intron 5 of the NBAS gene. It is expected to disrupt RNA splicing. Variants that disrupt the donor or acceptor splice site typically lead to a loss of protein function (PMID: 16199547), and loss-of-function variants in NBAS are known to be pathogenic (PMID: 26073778, 26541327, 27789416, 28031453).

Literature cited by the submitters: PubMed 38517998 (cited by Victorian Clinical Genetics Services, Murdoch Childrens Research Institute); PubMed 16199547 (cited by Labcorp Genetics (formerly Invitae), Labcorp); PubMed 26073778 (cited by Labcorp Genetics (formerly Invitae), Labcorp); PubMed 26541327 (cited by Labcorp Genetics (formerly Invitae), Labcorp); PubMed 27789416 (cited by Labcorp Genetics (formerly Invitae), Labcorp); PubMed 28031453 (cited by Labcorp Genetics (formerly Invitae), Labcorp).

NM_015909.4(NBAS):c.335+1G>C

Gene: NBAS (NBAS subunit of NRZ tethering complex; minus strand). Cytogenetic location: 2p24.3.
Variant type: single nucleotide variant.
Coding change: c.335+1G>C on transcript NM_015909.4 (MANE Select); the canonical splice donor site of the intron after coding-DNA position 335, G replaced by C.
Molecular consequence: splice donor variant.
Genome position (GRCh38, 1-based): chr2:15,553,425, C>G on the plus strand (G>C on the coding strand, the complement: NBAS is on the minus strand). VCF-style: chr2-15553425-C-G. GRCh37 (hg19) VCF-style: chr2-15693549-C-G.
Other names: c.335+1G>C (NM_015909.3).
Identifiers: ClinVar variation 1515496 (VCV001515496.8), dbSNP rs1573008071, ClinGen allele CA345892666.